The following is an entry in ClinVar:

ClinVar aggregate classification (germline): Conflicting classifications of pathogenicity. Review status: criteria provided, conflicting classifications (1 of 4 stars). 6 submissions from 5 submitters: Uncertain significance (5); Likely benign (1). Last evaluated 2022-08-01.

Conditions:
Intellectual developmental disorder, autosomal dominant 44, with microcephaly. Also called: Micrognathia-recurrent infections-behavioral abnormalities-mild intellectual disability syndrome; TRIO-Related Intellectual Disability. Identifiers: Orphanet 476126, MedGen C4310740, MONDO:0014892, OMIM 617061.
Intellectual developmental disorder, autosomal dominant 63, with macrocephaly. Also called: MENTAL RETARDATION, AUTOSOMAL DOMINANT 63, WITH MACROCEPHALY. Identifiers: MedGen C5394205, MONDO:0032939, OMIM 618825.
Inborn genetic diseases. Identifiers: MedGen C0950123, MeSH D030342.

Allele frequency attached by ClinVar (database versions not stated): TOPMed 0.00007; gnomAD 0.00005; ExAC 0.00004; gnomAD exomes 0.00003.
gnomAD v4.1: 63 of 1,614,062 alleles (0.0039%); highest among the groups gnomAD compares: Admixed American, 0.0083%; no homozygotes.

Submissions (6):

CeGaT Center for Human Genetics Tuebingen
Classification: Likely benign. Last evaluated: 2022-08-01. Review status: criteria provided, single submitter. Criteria: CeGaT Center For Human Genetics Tuebingen Variant Classification Criteria Version 2. Collection method: clinical testing. Allele origin: germline. Affected: yes. Observed: 1 variant allele.
Comment: TRIO: BP4

Clinical Genetics Laboratory, Skane University Hospital Lund
Classification: Uncertain significance. Last evaluated: 2022-06-28. Review status: criteria provided, single submitter. Criteria: ACMG Guidelines, 2015. Collection method: clinical testing. Allele origin: germline. Affected: yes.

Fulgent Genetics
Classification: Uncertain significance for Intellectual developmental disorder, autosomal dominant 44, with microcephaly; Intellectual developmental disorder, autosomal dominant 63, with macrocephaly. Last evaluated: 2022-03-30. Review status: criteria provided, single submitter. Criteria: ACMG Guidelines, 2015. Collection method: clinical testing. Allele origin: unknown.

Ambry Genetics
Classification: Uncertain significance for Inborn genetic diseases. Last evaluated: 2022-01-07. Review status: criteria provided, single submitter. Criteria: Ambry Variant Classification Scheme 2023. Collection method: clinical testing. Allele origin: germline.

New York Genome Center
Classification: Uncertain significance for Intellectual developmental disorder, autosomal dominant 44, with microcephaly. Last evaluated: 2020-05-12. Review status: criteria provided, single submitter. Criteria: NYGC Assertion Criteria 2020. Collection method: clinical testing. Allele origin: germline. Inheritance: Autosomal dominant inheritance. Observed: 1 heterozygote. Study: CSER-NYCKidSeq.
Comment: The c.8120G>A,p.Arg2707G variant lnidentified in the TRIO gene has been reported in an individual with intellectual disability [PMID: 26721934]. The variant has 0.004% allele frequency in the gnomAD database (7out of 143,272heterozygous alleles), indicating this is a rare allele. In silico tools, SIFT, PolyPhen, REVEL, and CADD predict conflicting evidence of pathogenicity. Based on the available evidence, the c.8120G>A,p.Arg2707Gln variant in the TRIOcgene is classified as Variant of Uncertain Significance.

New York Genome Center
Classification: Uncertain significance for Intellectual developmental disorder, autosomal dominant 63, with macrocephaly. Last evaluated: 2020-05-12. Review status: criteria provided, single submitter. Criteria: NYGC Assertion Criteria 2020. Collection method: clinical testing. Allele origin: germline. Inheritance: Autosomal dominant inheritance. Observed: 1 heterozygote. Study: CSER-NYCKidSeq.
Comment: the same text as in the submission from New York Genome Center above.

Literature cited by the submitters: PubMed 26721934 (cited by Ambry Genetics).

NM_007118.4(TRIO):c.8120G>A (p.Arg2707Gln)

Genes: TRIO (trio Rho guanine nucleotide exchange factor; plus strand), LOC126807323 (CDK7 strongly-dependent group 2 enhancer GRCh37_chr5:14497716-14498915; plus strand). Cytogenetic location: 5p15.2.
Variant type: single nucleotide variant.
Coding change: c.8120G>A on transcript NM_007118.4 (MANE Select); coding-DNA position 8120, G replaced by A.
Protein change: p.Arg2707Gln; replaces arginine 2707 with glutamine.
Molecular consequence: missense variant. On other transcripts: non-coding transcript variant (1).
Genome position (GRCh38, 1-based): chr5:14,498,161, G>A. VCF-style: chr5-14498161-G-A. GRCh37 (hg19) VCF-style: chr5-14498270-G-A.
Other names: c.8120G>A (NM_007118.2); short protein forms R2707Q.
Identifiers: ClinVar variation 996972 (VCV000996972.34), dbSNP rs768858988, ClinGen allele CA3207742.
Genomic context (GRCh38, chr5:14,498,161, plus strand): 5'-TCGTCATTCCATTGAGTGAGGTCACGTGTGAGACAGGGGAGACCGTTGTTCTTAGATGTC[G>A]AGTCTGTGGCCGCCCCAAAGCCTCAATTACCTGGAAGGGCCCTGAACACAACACCTTGAA-3'
Protein context (NP_009049.2, residues 2697-2717): ETGETVVLRC[Arg2707Gln]VCGRPKASIT